The following is an entry in ClinVar:

NM_005094.4(SLC27A4):c.127C>T (p.Arg43Trp)

Gene: SLC27A4 (solute carrier family 27 member 4; plus strand). Cytogenetic location: 9q34.11.
Variant type: single nucleotide variant.
Coding change: c.127C>T on transcript NM_005094.4 (MANE Select); coding-DNA position 127, C replaced by T.
Protein change: p.Arg43Trp; replaces arginine 43 with tryptophan.
Molecular consequence: missense variant.
Genome position (GRCh38, 1-based): chr9:128,343,259, C>T. VCF-style: chr9-128343259-C-T. GRCh37 (hg19) VCF-style: chr9-131105538-C-T.
Other names: short protein forms R43W.
Identifiers: ClinVar variation 4978171 (VCV004978171.1).

ClinVar aggregate classification (germline): Uncertain significance (1 of 4 stars; one submission).

Conditions:
SLC27A4-related disorder. Also called: SLC27A4-related condition.

gnomAD v4.1: 45 of 1,614,024 alleles (0.0028%); highest among the groups gnomAD compares: East Asian, 0.013%; no homozygotes.

Submission:

PreventionGenetics, part of Exact Sciences
Classification: Uncertain significance for SLC27A4-related condition. Last evaluated: 2024-12-07. Review status: criteria provided, single submitter. Criteria: ACMG Guidelines, 2015. Collection method: clinical testing. Allele origin: germline.
Comment: The SLC27A4 c.127C>T variant is predicted to result in the amino acid substitution p.Arg43Trp. To our knowledge, this variant has not been reported in the literature. This variant is reported in 0.0088% of alleles in individuals of European (Non-Finnish) descent in gnomAD. At this time, the clinical significance of this variant is uncertain due to the absence of conclusive functional and genetic evidence.